The following is an entry in ClinVar:

NM_001018113.3(FANCB):c.1991C>T (p.Ser664Leu)

Gene: FANCB (FA complementation group B; minus strand). Cytogenetic location: Xp22.2.
Variant type: single nucleotide variant.
Coding change: c.1991C>T on transcript NM_001018113.3 (MANE Select); coding-DNA position 1991, C replaced by T.
Protein change: p.Ser664Leu; replaces serine 664 with leucine.
Molecular consequence: missense variant.
Genome position (GRCh38, 1-based): chrX:14,844,677, G>A on the plus strand (C>T on the coding strand, the complement: FANCB is on the minus strand). VCF-style: chrX-14844677-G-A. GRCh37 (hg19) VCF-style: chrX-14862799-G-A.
Other names: c.1991C>T, p.Ser664Leu (NM_001324162.2, NM_152633.4); short protein forms S664L.
Identifiers: ClinVar variation 526346 (VCV000526346.7), dbSNP rs1555904350, ClinGen allele CA412438923.

ClinVar aggregate classification (germline): Uncertain significance. Review status: criteria provided, multiple submitters, no conflicts (2 of 4 stars). 2 submissions from 2 submitters: Uncertain significance (2). Last evaluated 2024-06-01.

Conditions:
Fanconi anemia (FA). Also called: Fanconi's anemia. Identifiers: Orphanet 84, MedGen C0015625, MeSH D005199, MONDO:0019391.
Fanconi anemia complementation group B (FANCB). Also called: FANCONI PANCYTOPENIA, TYPE 2; FANCB-Related Fanconi Anemia. Identifiers: Orphanet 84, MedGen C1845292, MONDO:0010351, OMIM 300514.

Submissions (2):

Fulgent Genetics
Classification: Uncertain significance for Fanconi anemia complementation group B. Last evaluated: 2024-06-01. Review status: criteria provided, single submitter. Criteria: ACMG Guidelines, 2015. Collection method: clinical testing. Allele origin: germline.

Labcorp Genetics (formerly Invitae), Labcorp
Classification: Uncertain significance for Fanconi anemia. Last evaluated: 2021-09-01. Review status: criteria provided, single submitter. Criteria: Invitae Variant Classification Sherloc (09022015). Collection method: clinical testing. Allele origin: germline.
Comment: This sequence change replaces serine with leucine at codon 664 of the FANCB protein (p.Ser664Leu). The serine residue is highly conserved and there is a large physicochemical difference between serine and leucine. This variant is not present in population databases (ExAC no frequency). This variant has not been reported in the literature in individuals affected with FANCB-related conditions. Algorithms developed to predict the effect of missense changes on protein structure and function are either unavailable or do not agree on the potential impact of this missense change (SIFT: "Deleterious"; PolyPhen-2: "Probably Damaging"; Align-GVGD: "Class C0"). In summary, the available evidence is currently insufficient to determine the role of this variant in disease. Therefore, it has been classified as a Variant of Uncertain Significance.